The following is an entry in ClinVar:

ClinVar aggregate classification (germline): Uncertain significance (1 of 4 stars; one submission).

Conditions:
Primary ciliary dyskinesia. Also called: Ciliary dyskinesia. Identifiers: Orphanet 244, MedGen C0008780, MONDO:0016575, HP:0012265.

Allele frequency attached by ClinVar (database versions not stated): gnomAD exomes below 0.00001; gnomAD 0.00001; TOPMed 0.00001.
gnomAD v4.1: 3 of 1,613,722 alleles (0.00019%); highest among the groups gnomAD compares: African/African-American, 0.004%; no homozygotes.

Submission:

Labcorp Genetics (formerly Invitae), Labcorp
Classification: Uncertain significance for Primary ciliary dyskinesia. Last evaluated: 2021-09-01. Review status: criteria provided, single submitter. Criteria: Invitae Variant Classification Sherloc (09022015). Collection method: clinical testing. Allele origin: germline.
Comment: This sequence change replaces glutamic acid with glycine at codon 3613 of the DNAH11 protein (p.Glu3613Gly). The glutamic acid residue is highly conserved and there is a moderate physicochemical difference between glutamic acid and glycine. This variant is not present in population databases (ExAC no frequency). This variant has not been reported in the literature in individuals affected with DNAH11-related conditions. Algorithms developed to predict the effect of missense changes on protein structure and function are either unavailable or do not agree on the potential impact of this missense change (SIFT: "Deleterious"; PolyPhen-2: "Benign"; Align-GVGD: "Class C65"). In summary, the available evidence is currently insufficient to determine the role of this variant in disease. Therefore, it has been classified as a Variant of Uncertain Significance.

NM_001277115.2(DNAH11):c.10838A>G (p.Glu3613Gly)

Gene: DNAH11 (dynein axonemal heavy chain 11; plus strand). Cytogenetic location: 7p15.3.
Variant type: single nucleotide variant.
Coding change: c.10838A>G on transcript NM_001277115.2 (MANE Select); coding-DNA position 10838, A replaced by G.
Protein change: p.Glu3613Gly; replaces glutamic acid 3613 with glycine.
Molecular consequence: missense variant.
Genome position (GRCh38, 1-based): chr7:21,842,690, A>G. VCF-style: chr7-21842690-A-G. GRCh37 (hg19) VCF-style: chr7-21882308-A-G.
Other names: short protein forms E3613G.
Identifiers: ClinVar variation 454632 (VCV000454632.6), dbSNP rs1229352440, ClinGen allele CA366957338.